The following is an entry in ClinVar:

NM_003072.5(SMARCA4):c.749G>A (p.Ser250Asn)

Gene: SMARCA4 (SWI/SNF related BAF chromatin remodeling complex subunit ATPase 4; plus strand). Cytogenetic location: 19p13.2.
Variant type: single nucleotide variant.
Coding change: c.749G>A on transcript NM_003072.5 (MANE Select); coding-DNA position 749, G replaced by A.
Protein change: p.Ser250Asn; replaces serine 250 with asparagine.
Molecular consequence: missense variant. On other transcripts: non-coding transcript variant (1).
Genome position (GRCh38, 1-based): chr19:10,986,582, G>A. VCF-style: chr19-10986582-G-A. GRCh37 (hg19) VCF-style: chr19-11097258-G-A.
Other names: c.749G>A, p.Ser250Asn (NM_001128844.3, NM_001128845.2, NM_001128846.2 and 6 more transcripts); short protein forms S250N.
Identifiers: ClinVar variation 2806845 (VCV002806845.3), dbSNP rs1257597317, ClinGen allele CA404057297.

ClinVar aggregate classification (germline): Uncertain significance (1 of 4 stars; one submission).

Conditions:
Rhabdoid tumor predisposition syndrome 2 (RTPS2). Identifiers: Orphanet 231108, Orphanet 69077, MedGen C2750074, MONDO:0013224, OMIM 613325.

Submission:

Labcorp Genetics (formerly Invitae), Labcorp
Classification: Uncertain significance for Rhabdoid tumor predisposition syndrome 2. Last evaluated: 2022-10-19. Review status: criteria provided, single submitter. Criteria: Invitae Variant Classification Sherloc (09022015). Collection method: clinical testing. Allele origin: germline.
Comment: In summary, the available evidence is currently insufficient to determine the role of this variant in disease. Therefore, it has been classified as a Variant of Uncertain Significance. Advanced modeling of protein sequence and biophysical properties (such as structural, functional, and spatial information, amino acid conservation, physicochemical variation, residue mobility, and thermodynamic stability) performed at Invitae indicates that this missense variant is not expected to disrupt SMARCA4 protein function. This variant has not been reported in the literature in individuals affected with SMARCA4-related conditions. This variant is not present in population databases (gnomAD no frequency). This sequence change replaces serine, which is neutral and polar, with asparagine, which is neutral and polar, at codon 250 of the SMARCA4 protein (p.Ser250Asn).